The following is an entry in ClinVar:

NM_001130987.2(DYSF):c.3646A>G (p.Thr1216Ala)

Gene: DYSF (dysferlin; plus strand). Cytogenetic location: 2p13.2.
Variant type: single nucleotide variant.
Coding change: c.3646A>G on transcript NM_001130987.2 (MANE Select); coding-DNA position 3646, A replaced by G.
Protein change: p.Thr1216Ala; replaces threonine 1216 with alanine.
Molecular consequence: missense variant.
Genome position (GRCh38, 1-based): chr2:71,598,635, A>G. VCF-style: chr2-71598635-A-G. GRCh37 (hg19) VCF-style: chr2-71825765-A-G.
Other names: c.3595A>G, p.Thr1199Ala (NM_001130455.2, NM_001130983.2); c.3550A>G, p.Thr1184Ala (NM_001130976.2, NM_001130977.2); c.3592A>G, p.Thr1198Ala (NM_001130978.2, NM_003494.4); c.3685A>G, p.Thr1229Ala (NM_001130979.2); c.3643A>G, p.Thr1215Ala (NM_001130980.2, NM_001130981.2); c.3688A>G, p.Thr1230Ala (NM_001130982.2); c.3553A>G, p.Thr1185Ala (NM_001130984.2, NM_001130986.2); c.3646A>G, p.Thr1216Ala (NM_001130985.2); short protein forms T1215A, T1198A, T1184A, T1229A, T1185A, T1199A, T1216A, T1230A.
Identifiers: ClinVar variation 2584889 (VCV002584889.1), dbSNP rs2546046243, ClinGen allele CA347223804.

ClinVar aggregate classification (germline): Uncertain significance (1 of 4 stars; one submission).

Conditions:
Autosomal recessive limb-girdle muscular dystrophy type 2B (LGMDR2). Also called: Limb-Girdle Muscular Dystrophy Type 2B (LGMD2B); Limb-girdle muscular dystrophy, type 2B; MUSCULAR DYSTROPHY, LIMB-GIRDLE, TYPE 3; MUSCULAR DYSTROPHY, LIMB-GIRDLE, AUTOSOMAL RECESSIVE 2. Identifiers: Orphanet 268, MedGen C1850889, MONDO:0009676, OMIM 253601.

Submission:

Neuberg Centre For Genomic Medicine, NCGM
Classification: Uncertain significance for Autosomal recessive limb-girdle muscular dystrophy type 2B. Review status: criteria provided, single submitter. Criteria: ACMG Guidelines, 2015. Collection method: clinical testing. Allele origin: germline. Inheritance: Autosomal recessive inheritance. Affected: yes.
Comment: The missense variant c.3646A>G (p.Thr1216Ala) in DYSF gene has not been reported previously as a pathogenic variant nor as a benign variant, to our knowledge. The p.Thr1216Ala variant is novel (not in any individuals) in gnomAD Exomes and 1000 Genomes. This variant has not been reported to the ClinVar database. The amino acid Thr at position 1216 is changed to a Ala changing protein sequence and it might alter its composition and physico-chemical properties. The amino acid change p.Thr1216Ala in DYSF is predicted as conserved by GERP++ and PhyloP across 100 vertebrates. For these reasons, this variant has been classified as Uncertain Significance (VUS). In the absence of second reportable variant/CNV, the molecular diagnosis is not confirmed.